The following is an entry in ClinVar:

ClinVar aggregate classification (germline): Uncertain significance. Review status: criteria provided, multiple submitters, no conflicts (2 of 4 stars). 2 submissions from 2 submitters: Uncertain significance (2). Last evaluated 2025-08-02.

Conditions:
Inborn genetic diseases. Identifiers: MedGen C0950123, MeSH D030342.

Submissions (2):

Ambry Genetics
Classification: Uncertain significance for Inborn genetic diseases. Last evaluated: 2025-08-02. Review status: criteria provided, single submitter. Criteria: Ambry Variant Classification Scheme 2023. Collection method: clinical testing. Allele origin: germline.

Labcorp Genetics (formerly Invitae), Labcorp
Classification: Uncertain significance. Last evaluated: 2022-02-03. Review status: criteria provided, single submitter. Criteria: Invitae Variant Classification Sherloc (09022015). Collection method: clinical testing. Allele origin: germline.
Comment: In summary, the available evidence is currently insufficient to determine the role of this variant in disease. Therefore, it has been classified as a Variant of Uncertain Significance. Algorithms developed to predict the effect of missense changes on protein structure and function are either unavailable or do not agree on the potential impact of this missense change (SIFT: "Tolerated"; PolyPhen-2: "Possibly Damaging"; Align-GVGD: "Class C0"). This variant has not been reported in the literature in individuals affected with SZT2-related conditions. This variant is present in population databases (no rsID available, gnomAD 0.007%). This sequence change replaces valine, which is neutral and non-polar, with leucine, which is neutral and non-polar, at codon 628 of the SZT2 protein (p.Val628Leu).

NM_001365999.1(SZT2):c.1882G>T (p.Val628Leu)

Gene: SZT2 (SZT2 subunit of KICSTOR complex; plus strand). Cytogenetic location: 1p34.2.
Variant type: single nucleotide variant.
Coding change: c.1882G>T on transcript NM_001365999.1 (MANE Select); coding-DNA position 1882, G replaced by T.
Protein change: p.Val628Leu; replaces valine 628 with leucine.
Molecular consequence: missense variant.
Genome position (GRCh38, 1-based): chr1:43,422,592, G>T. VCF-style: chr1-43422592-G-T. GRCh37 (hg19) VCF-style: chr1-43888263-G-T.
Other names: c.1882G>T, p.Val628Leu (NM_015284.4); c.1882G>T (NM_015284.3); short protein forms V628L.
Identifiers: ClinVar variation 1406596 (VCV001406596.9), dbSNP rs758011949, ClinGen allele CA340010292.
Genomic context (GRCh38, chr1:43,422,592, plus strand): 5'-ATCCAGTGCAGGATCTCCCACTCCTCCCTGACCTCTCTGCTGCGGGACTGGAGCAGCTTC[G>T]TACTAGTCGAGGGCTATTCTTATGTTAAGCTGCTCTCCAGGTGGGCAAAGTGATGTCCCT-3'
Protein context (NP_001352928.1, residues 618-638): TSLLRDWSSF[Val628Leu]LVEGYSYVKL